The following is an entry in ClinVar:

NM_005751.5(AKAP9):c.6484G>A (p.Val2162Met)

Gene: AKAP9 (A-kinase anchoring protein 9; plus strand). Cytogenetic location: 7q21.2.
Variant type: single nucleotide variant.
Coding change: c.6484G>A on transcript NM_005751.5 (MANE Select); coding-DNA position 6484, G replaced by A.
Protein change: p.Val2162Met; replaces valine 2162 with methionine.
Molecular consequence: missense variant. On other transcripts: splice donor variant (1).
Genome position (GRCh38, 1-based): chr7:92,070,183, G>A. VCF-style: chr7-92070183-G-A. GRCh37 (hg19) VCF-style: chr7-91699497-G-A.
Other names: c.1129G>A, p.Val377Met (NM_001379277.1); c.6483+1G>A (NM_147185.3); short protein forms V377M, V2162M.
Identifiers: ClinVar variation 5033960 (VCV005033960.1).
Genomic context (GRCh38, chr7:92,070,183, plus strand): 5'-AGGAATGAAGAAATAGAGAAACTGGAGTTCAGAGTAAGAGAACTGGAGCAGGCGCTTCTT[G>A]TGAGTGCAGATACTTTTCAAAAGGTGTGGCATTTTATTTGGGCTAACTTAATAAGTGTTT-3'
Protein context (NP_005742.4, residues 2152-2172): RVRELEQALL[Val2162Met]SADTFQKVED

ClinVar aggregate classification (germline): Uncertain significance (1 of 4 stars; one submission).

Conditions:
Cardiovascular phenotype. Identifiers: MedGen CN230736.

gnomAD v4.1: 4 of 1,614,066 alleles (0.00025%); highest among the groups gnomAD compares: Admixed American, 0.005%; no homozygotes.

Submission:

Ambry Genetics
Classification: Uncertain significance for Cardiovascular phenotype. Last evaluated: 2026-07-13. Review status: criteria provided, single submitter. Criteria: Ambry Variant Classification Scheme 2023. Collection method: clinical testing. Allele origin: germline.
Comment: The p.V2162M variant (also known as c.6484G>A), located in coding exon 27 of the AKAP9 gene, results from a G to A substitution at nucleotide position 6484. The valine at codon 2162 is replaced by methionine, an amino acid with highly similar properties. This amino acid position is conserved. In addition, this alteration is predicted to be tolerated by in silico analysis. Based on the available evidence, the clinical significance of this variant remains unclear.